The following is an entry in ClinVar:

ClinVar aggregate classification (germline): Likely benign. Review status: criteria provided, multiple submitters, no conflicts (2 of 4 stars). 2 submissions from 2 submitters: Likely benign (2). Last evaluated 2025-11-22.

Conditions:
POLD1-related polyposis and colorectal cancer syndrome (CRCS10). Also called: Colorectal cancer 10; COLORECTAL CANCER, SUSCEPTIBILITY TO, ON CHROMOSOME 19q; Colorectal cancer, susceptibility to, 10. Identifiers: Orphanet 220460, MedGen C2675481, MONDO:0012953, OMIM 612591.

Allele frequency attached by ClinVar (database versions not stated): ExAC 0.00002; gnomAD exomes 0.00002.

Submissions (2):

Labcorp Genetics (formerly Invitae), Labcorp
Classification: Likely benign for POLD1-related polyposis and colorectal cancer syndrome. Last evaluated: 2025-11-22. Review status: criteria provided, single submitter. Criteria: Invitae Variant Classification Sherloc (09022015). Collection method: clinical testing. Allele origin: germline.

Myriad Genetics, Inc.
Classification: Likely benign for POLD1-related polyposis and colorectal cancer syndrome. Last evaluated: 2025-02-06. Review status: criteria provided, single submitter. Criteria: Myriad Autosomal Dominant, Autosomal Recessive and X-Linked Classification Criteria (2023). Collection method: clinical testing. Allele origin: unknown.
Comment: This variant is considered likely benign. This variant is intronic and is not expected to impact mRNA splicing.

NM_002691.4(POLD1):c.1495-18A>C

Gene: POLD1 (DNA polymerase delta 1, catalytic subunit; plus strand). Cytogenetic location: 19q13.33.
Variant type: single nucleotide variant.
Coding change: c.1495-18A>C on transcript NM_002691.4 (MANE Select); 18 bases into the intron before coding-DNA position 1495, A replaced by C.
Molecular consequence: intron variant.
Genome position (GRCh38, 1-based): chr19:50,406,965, A>C. VCF-style: chr19-50406965-A-C. GRCh37 (hg19) VCF-style: chr19-50910222-A-C.
Other names: c.1495-18A>C (NM_001256849.1, NM_001308632.1).
Identifiers: ClinVar variation 1634755 (VCV001634755.9), dbSNP rs761579125, ClinGen allele CA9596157.